The following is an entry in ClinVar:

NM_001002010.5(NT5C3A):c.844_845dup (p.Val283fs)

Gene: NT5C3A (5'-nucleotidase, cytosolic IIIA; minus strand). Cytogenetic location: 7p14.3.
Variant type: Duplication.
Coding change: c.844_845dup on transcript NM_001002010.5 (MANE Select); coding-DNA positions 844 to 845, 2 bases duplicated (GG; older notation c.844_845dupGG).
Protein change: p.Val283fs; shifts the reading frame from valine 283.
Molecular consequence: frameshift variant. On other transcripts: intron variant (1).
Genome position (GRCh38, 1-based): chr7:33,015,719-33,015,720, CC duplicated on the plus strand (GG on the coding strand, the reverse complement: NT5C3A is on the minus strand). VCF-style (leftmost placement, unchanged base first): chr7-33015718-T-TCC. GRCh37 (hg19) VCF-style: chr7-33055330-T-TCC.
Other names: c.742_743dup, p.Val249fs (NM_001002009.3, NM_016489.14); c.706_707dup, p.Val237fs (NM_001166118.3, NM_001356996.3, NM_001374336.1 and 1 more transcripts); c.745_746dup, p.Val250fs (NM_001374335.1); c.643_644dup, p.Val216fs (NM_001374339.1); c.694-889_694-888dup (NM_001374338.1); short protein forms V237fs, V283fs, V249fs, V216fs, V250fs.
Identifiers: ClinVar variation 4482 (VCV000004482.7), dbSNP rs397518436, ClinGen allele CA116887.

ClinVar aggregate classification (germline): Pathogenic. Review status: criteria provided, single submitter (1 of 4 stars). 2 submissions from 2 submitters: Pathogenic (1). 1 of the submissions does not count toward it. Last evaluated 2024-09-24.

Conditions:
Hemolytic anemia due to pyrimidine 5' nucleotidase deficiency (CNSHA8). Also called: P5N DEFICIENCY; PYRIMIDINE 5-PRIME NUCLEOTIDASE DEFICIENCY, HEMOLYTIC ANEMIA DUE TO; HEMOLYTIC ANEMIA DUE TO P5N DEFICIENCY; HEMOLYTIC ANEMIA DUE TO UMPH1 DEFICIENCY; UMPH1 DEFICIENCY. Identifiers: Orphanet 35120, MedGen C1849507, MONDO:0009946, OMIM 266120.

Allele frequency attached by ClinVar (database versions not stated): TOPMed below 0.00001; gnomAD 0.00001; ExAC 0.00002; gnomAD exomes 0.00002.

Submissions (2):

Labcorp Genetics (formerly Invitae), Labcorp
Classification: Pathogenic. Last evaluated: 2024-09-24. Review status: criteria provided, single submitter. Criteria: Invitae Variant Classification Sherloc (09022015). Collection method: clinical testing. Allele origin: germline.
Comment: This sequence change creates a premature translational stop signal (p.Val249Glufs*9) in the NT5C3A gene. While this is not anticipated to result in nonsense mediated decay, it is expected to disrupt the last 49 amino acid(s) of the NT5C3A protein. This variant is present in population databases (rs397518436, gnomAD 0.004%). This premature translational stop signal has been observed in individuals with pyrimidine 5'-nucleotidase deficiency (PMID: 12714505, 12930399). It has also been observed to segregate with disease in related individuals. This variant is also known as 743-744insGG and InsGG743. ClinVar contains an entry for this variant (Variation ID: 4482). Algorithms developed to predict the effect of sequence changes on RNA splicing suggest that this variant may disrupt the consensus splice site. For these reasons, this variant has been classified as Pathogenic.

OMIM
Classification: Pathogenic for ANEMIA, CONGENITAL, NONSPHEROCYTIC HEMOLYTIC, 8. Last evaluated: 2003-09-01. Review status: no assertion criteria provided. Collection method: literature only. Allele origin: germline. Not counted in ClinVar's aggregate classification.

Literature cited by the submitters: PubMed 12714505 (cited by Labcorp Genetics (formerly Invitae), Labcorp and OMIM); PubMed 12930399 (cited by Labcorp Genetics (formerly Invitae), Labcorp and OMIM).